The following is an entry in ClinVar:

ClinVar aggregate classification (germline): Uncertain significance (1 of 4 stars; one submission).

Conditions:
Inborn genetic diseases. Identifiers: MedGen C0950123, MeSH D030342.

Submission:

Ambry Genetics
Classification: Uncertain significance for Inborn genetic diseases. Last evaluated: 2024-12-21. Review status: criteria provided, single submitter. Criteria: Ambry Variant Classification Scheme 2023. Collection method: clinical testing. Allele origin: germline.
Comment: The p.H305R variant (also known as c.914A>G), located in coding exon 11 of the FANCA gene, results from an A to G substitution at nucleotide position 914. The histidine at codon 305 is replaced by arginine, an amino acid with highly similar properties. This amino acid position is conserved. In addition, this alteration is predicted to be tolerated by in silico analysis. Based on the available evidence, the clinical significance of this variant remains unclear.

NM_000135.4(FANCA):c.914A>G (p.His305Arg)

Gene: FANCA (FA complementation group A; minus strand). Cytogenetic location: 16q24.3.
Variant type: single nucleotide variant.
Coding change: c.914A>G on transcript NM_000135.4 (MANE Select); coding-DNA position 914, A replaced by G.
Protein change: p.His305Arg; replaces histidine 305 with arginine.
Molecular consequence: missense variant.
Genome position (GRCh38, 1-based): chr16:89,795,998, T>C on the plus strand (A>G on the coding strand, the complement: FANCA is on the minus strand). VCF-style: chr16-89795998-T-C. GRCh37 (hg19) VCF-style: chr16-89862406-T-C.
Other names: c.914A>G, p.His305Arg (NM_001286167.3); short protein forms H305R.
Identifiers: ClinVar variation 3848047 (VCV003848047.1).
Genomic context (GRCh38, chr16:89,795,998, plus strand): 5'-GTCAGGGTATGACTGAAGAACCTCTTCAGAGGATCTGTGGAAATTACACTGCCAAGCGTG[T>C]GTCCACTGAACACTCCGAACCTGCCAATGCAGCAGAAAGAGGGGTCAGGAAAGGGAGGGT-3'
Protein context (NP_000126.2, residues 295-315): VRCWFGVFSG[His305Arg]TLGSVISTDP